The following is an entry in ClinVar:

ClinVar aggregate classification (germline): Conflicting classifications of pathogenicity. Review status: criteria provided, conflicting classifications (1 of 4 stars). 7 submissions from 7 submitters: Uncertain significance (6); Likely benign (1). Last evaluated 2025-02-20.

Conditions:
Classic or attenuated familial adenomatous polyposis. Identifiers: MedGen CN372698, MONDO:0021057.
Hereditary cancer-predisposing syndrome. Also called: Hereditary neoplastic syndrome; Hereditary Cancer Syndrome; Neoplastic Syndromes, Hereditary; Tumor predisposition. Identifiers: Orphanet 140162, MedGen C0027672, MeSH D009386, MONDO:0015356.
Familial adenomatous polyposis 1 (FAP1). Also called: FAMILIAL ADENOMATOUS POLYPOSIS 1, ATTENUATED; POLYPOSIS, ADENOMATOUS INTESTINAL. Identifiers: MedGen C2713442, MONDO:0021056, OMIM 175100. Disease mechanism: loss of function.

Allele frequency attached by ClinVar (database versions not stated): gnomAD exomes below 0.00001; TOPMed below 0.00001.
gnomAD v4.1: 1 of 1,613,974 alleles (0.000062%); highest among the groups gnomAD compares: Non-Finnish European, 0.000085%; no homozygotes.

Submissions (7):

Ambry Genetics
Classification: Likely benign for Hereditary cancer-predisposing syndrome. Last evaluated: 2025-02-20. Review status: criteria provided, single submitter. Criteria: Ambry Variant Classification Scheme 2023. Collection method: clinical testing. Allele origin: germline.

Labcorp Genetics (formerly Invitae), Labcorp
Classification: Uncertain significance for Familial adenomatous polyposis 1. Last evaluated: 2024-12-12. Review status: criteria provided, single submitter. Criteria: Invitae Variant Classification Sherloc (09022015). Collection method: clinical testing. Allele origin: germline.
Comment: This sequence change replaces lysine, which is basic and polar, with arginine, which is basic and polar, at codon 2769 of the APC protein (p.Lys2769Arg). This variant is not present in population databases (gnomAD no frequency). This variant has not been reported in the literature in individuals affected with APC-related conditions. ClinVar contains an entry for this variant (Variation ID: 236655). Invitae Evidence Modeling of protein sequence and biophysical properties (such as structural, functional, and spatial information, amino acid conservation, physicochemical variation, residue mobility, and thermodynamic stability) indicates that this missense variant is not expected to disrupt APC protein function with a negative predictive value of 95%. In summary, the available evidence is currently insufficient to determine the role of this variant in disease. Therefore, it has been classified as a Variant of Uncertain Significance.

Color Diagnostics, LLC DBA Color Health
Classification: Uncertain significance for Hereditary cancer-predisposing syndrome. Last evaluated: 2024-06-03. Review status: criteria provided, single submitter. Criteria: ACMG Guidelines, 2015. Collection method: clinical testing. Allele origin: germline.
Comment: This missense variant replaces lysine with arginine at codon 2769 of the APC protein. Computational prediction suggests that this variant may not impact protein structure and function (internally defined REVEL score threshold <= 0.5, PMID: 27666373). To our knowledge, functional studies have not been reported for this variant. This variant has not been reported in individuals affected with APC-related disorders in the literature. This variant has not been identified in the general population by the Genome Aggregation Database (gnomAD). The available evidence is insufficient to determine the role of this variant in disease conclusively. Therefore, this variant is classified as a Variant of Uncertain Significance.

All of Us Research Program, National Institutes of Health
Classification: Uncertain significance for Classic or attenuated familial adenomatous polyposis. Last evaluated: 2024-03-05. Review status: criteria provided, single submitter. Criteria: ACMG Guidelines, 2015. Collection method: clinical testing. Allele origin: germline. Inheritance: Autosomal dominant inheritance. Observed: 4 variant alleles, 4 heterozygotes.
Comment: This missense variant replaces lysine with arginine at codon 2769 of the APC protein. Computational prediction suggests that this variant may not impact protein structure and function (internally defined REVEL score threshold <= 0.5, PMID: 27666373). To our knowledge, functional studies have not been reported for this variant. This variant has not been reported in individuals affected with APC-related disorders. This variant has not been identified in the general population by the Genome Aggregation Database (gnomAD). The available evidence is insufficient to determine the role of this variant in disease conclusively. Therefore, this variant is classified as a Variant of Uncertain Significance.

This study involves interpretation of variants in research participants for the purpose of population health screening. Participant phenotype was not available at the time of variant classification. Additional details can be found in publication PMID: 35346344, PMCID: PMC8962531

Quest Diagnostics Nichols Institute San Juan Capistrano
Classification: Uncertain significance. Last evaluated: 2023-05-02. Review status: criteria provided, single submitter. Criteria: Quest Diagnostics criteria. Collection method: clinical testing. Allele origin: unknown.
Comment: It also has not been reported in large, multi-ethnic general populations. To the best of our knowledge, this variant has not been reported in the germline state in individuals with an APC related disease. However, it has been reported as a somatic variant in a colon cancer tumor sample (PMID: 29338072 (2018)). Analysis of this variant using bioinformatics tools for the prediction of the effect of amino acid changes on protein structure and function yielded predictions that this variant is damaging. Based on the available information, we are unable to determine the clinical significance of this variant.

Women's Health and Genetics/Laboratory Corporation of America, LabCorp
Classification: Uncertain significance. Last evaluated: 2021-05-03. Review status: criteria provided, single submitter. Criteria: LabCorp Variant Classification Summary - May 2015. Collection method: clinical testing. Allele origin: germline.
Comment: Variant summary: APC c.8306A>G (p.Lys2769Arg) results in a conservative amino acid change located in the EB-1 binding domain (IPR009232) of the encoded protein sequence. Three of five in-silico tools predict a benign effect of the variant on protein function. The variant was absent in 250994 control chromosomes. The available data on variant occurrences in the general population are insufficient to allow any conclusion about variant significance. To our knowledge, no occurrence of c.8306A>G in individuals affected with Familial Adenomatous Polyposis and no experimental evidence demonstrating its impact on protein function have been reported. Two clinical diagnostic laboratories have submitted clinical-significance assessments for this variant to ClinVar after 2014 without evidence for independent evaluation. All laboratories classified the variant as uncertain significance. Based on the evidence outlined above, the variant was classified as uncertain significance.

GeneDx
Classification: Uncertain significance. Last evaluated: 2019-04-22. Review status: criteria provided, single submitter. Criteria: GeneDx Variant Classification Process June 2021. Collection method: clinical testing. Allele origin: germline. Affected: yes.
Comment: Has not been previously published as pathogenic or benign to our knowledge; This variant is associated with the following publications: (PMID: 29338072, 25801821)

Literature cited by the submitters: PubMed 29338072 (cited by Quest Diagnostics Nichols Institute San Juan Capistrano).

NM_000038.6(APC):c.8306A>G (p.Lys2769Arg)

Gene: APC (APC regulator of Wnt signaling pathway; plus strand). Cytogenetic location: 5q22.2.
Variant type: single nucleotide variant.
Coding change: c.8306A>G on transcript NM_000038.6 (MANE Select); coding-DNA position 8306, A replaced by G.
Protein change: p.Lys2769Arg; replaces lysine 2769 with arginine.
Molecular consequence: missense variant.
Genome position (GRCh38, 1-based): chr5:112,843,900, A>G. VCF-style: chr5-112843900-A-G. GRCh37 (hg19) VCF-style: chr5-112179597-A-G.
Other names: c.8306A>G, p.Lys2769Arg (NM_001127510.3, NM_001354895.2); c.8252A>G, p.Lys2751Arg (NM_001127511.3); c.8360A>G, p.Lys2787Arg (NM_001354896.2); c.8336A>G, p.Lys2779Arg (NM_001354897.2); c.8231A>G, p.Lys2744Arg (NM_001354898.2); c.8222A>G, p.Lys2741Arg (NM_001354899.2); c.8183A>G, p.Lys2728Arg (NM_001354900.2); c.8129A>G, p.Lys2710Arg (NM_001354901.2); and 5 more; short protein forms K2751R, K2769R, K2728R, K2779R, K2668R, K2678R, K2710R, K2741R.
Identifiers: ClinVar variation 236655 (VCV000236655.22), dbSNP rs878853475, ClinGen allele CA10582344.